The following is an entry in ClinVar:

ClinVar aggregate classification (germline): Uncertain significance. Review status: criteria provided, multiple submitters, no conflicts (2 of 4 stars). 2 submissions from 2 submitters: Uncertain significance (2). Last evaluated 2024-04-19.

Conditions:
Neurodevelopmental disorder with nonspecific brain abnormalities and with or without seizures. Identifiers: MedGen C5231470, MONDO:0032877, OMIM 618709.

Allele frequency attached by ClinVar (database versions not stated): gnomAD 0.00001; ExAC 0.00002; gnomAD exomes 0.00002; TOPMed 0.00002.

Submissions (2):

Labcorp Genetics (formerly Invitae), Labcorp
Classification: Uncertain significance. Last evaluated: 2024-04-19. Review status: criteria provided, single submitter. Criteria: Invitae Variant Classification Sherloc (09022015). Collection method: clinical testing. Allele origin: germline.
Comment: This sequence change replaces valine, which is neutral and non-polar, with methionine, which is neutral and non-polar, at codon 462 of the DLL1 protein (p.Val462Met). The frequency data for this variant in the population databases is considered unreliable, as metrics indicate poor data quality at this position in the gnomAD database. This variant has not been reported in the literature in individuals affected with DLL1-related conditions. ClinVar contains an entry for this variant (Variation ID: 1696551). An algorithm developed to predict the effect of missense changes on protein structure and function (PolyPhen-2) suggests that this variant is likely to be tolerated. In summary, the available evidence is currently insufficient to determine the role of this variant in disease. Therefore, it has been classified as a Variant of Uncertain Significance.

New York Genome Center
Classification: Uncertain significance for Neurodevelopmental disorder with nonspecific brain abnormalities and with or without seizures. Last evaluated: 2021-07-09. Review status: criteria provided, single submitter. Criteria: NYGC Assertion Criteria 2020. Collection method: clinical testing. Allele origin: inherited. Observed: 1 heterozygote. Study: CSER-NYCKidSeq.

NM_005618.4(DLL1):c.1384G>A (p.Val462Met)

Gene: DLL1 (delta like canonical Notch ligand 1; minus strand). Cytogenetic location: 6q27.
Variant type: single nucleotide variant.
Coding change: c.1384G>A on transcript NM_005618.4 (MANE Select); coding-DNA position 1384, G replaced by A.
Protein change: p.Val462Met; replaces valine 462 with methionine.
Molecular consequence: missense variant.
Genome position (GRCh38, 1-based): chr6:170,283,895, C>T on the plus strand (G>A on the coding strand, the complement: DLL1 is on the minus strand). VCF-style: chr6-170283895-C-T. GRCh37 (hg19) VCF-style: chr6-170592983-C-T.
Other names: short protein forms V462M.
Identifiers: ClinVar variation 1696551 (VCV001696551.4), dbSNP rs748072021, ClinGen allele CA4106837.